The following is an entry in ClinVar:

NM_001130987.2(DYSF):c.2393G>A (p.Arg798His)

Gene: DYSF (dysferlin; plus strand). Cytogenetic location: 2p13.2.
Variant type: single nucleotide variant.
Coding change: c.2393G>A on transcript NM_001130987.2 (MANE Select); coding-DNA position 2393, G replaced by A.
Protein change: p.Arg798His; replaces arginine 798 with histidine.
Molecular consequence: missense variant.
Genome position (GRCh38, 1-based): chr2:71,561,928, G>A. VCF-style: chr2-71561928-G-A. GRCh37 (hg19) VCF-style: chr2-71789058-G-A.
Other names: c.2342G>A, p.Arg781His (NM_001130455.2, NM_001130983.2); c.2297G>A, p.Arg766His (NM_001130976.2, NM_001130977.2); c.2339G>A, p.Arg780His (NM_001130978.2, NM_003494.4); c.2432G>A, p.Arg811His (NM_001130979.2); c.2390G>A, p.Arg797His (NM_001130980.2, NM_001130981.2); c.2435G>A, p.Arg812His (NM_001130982.2); c.2300G>A, p.Arg767His (NM_001130984.2, NM_001130986.2); c.2393G>A, p.Arg798His (NM_001130985.2); short protein forms R780H, R798H, R797H, R812H, R767H, R781H, R766H, R811H.
Identifiers: ClinVar variation 471285 (VCV000471285.14), dbSNP rs763456750, ClinGen allele CA1706135.

ClinVar aggregate classification (germline): Conflicting classifications of pathogenicity. Review status: criteria provided, conflicting classifications (1 of 4 stars). 5 submissions from 5 submitters: Uncertain significance (3); Benign (1). 1 of the submissions does not count toward it. Last evaluated 2026-01-17.

Conditions:
Autosomal recessive limb-girdle muscular dystrophy type 2B (LGMDR2). Also called: Limb-Girdle Muscular Dystrophy Type 2B (LGMD2B); MUSCULAR DYSTROPHY, LIMB-GIRDLE, TYPE 3; Limb-girdle muscular dystrophy, type 2B; MUSCULAR DYSTROPHY, LIMB-GIRDLE, AUTOSOMAL RECESSIVE 2. Identifiers: Orphanet 268, MedGen C1850889, MONDO:0009676, OMIM 253601.
Distal myopathy with anterior tibial onset. Identifiers: Orphanet 178400, MedGen C1847532, MONDO:0011721, OMIM 606768.
Miyoshi muscular dystrophy 1 (MMD1). Identifiers: Orphanet 45448, MedGen C4551973, MONDO:0024545, OMIM 254130.
Neuromuscular disease caused by qualitative or quantitative defects of dysferlin. Also called: Qualitative or quantitative defects of dysferlin; Dysferlinopathy. Identifiers: Orphanet 207073, MedGen C2931687, MONDO:0016145.

Allele frequency attached by ClinVar (database versions not stated): ExAC 0.00004; gnomAD exomes 0.00004 and 0.00007; gnomAD 0.00006 and 0.00008; TOPMed 0.00008.

Submissions (5):

Labcorp Genetics (formerly Invitae), Labcorp
Classification: Benign for Neuromuscular disease caused by qualitative or quantitative defects of dysferlin. Last evaluated: 2026-01-17. Review status: criteria provided, single submitter. Criteria: Invitae Variant Classification Sherloc (09022015). Collection method: clinical testing. Allele origin: germline.

GeneDx
Classification: Uncertain significance. Last evaluated: 2025-04-16. Review status: criteria provided, single submitter. Criteria: GeneDx Variant Classification Process June 2021. Collection method: clinical testing. Allele origin: germline. Affected: yes.
Comment: Not observed at significant frequency in large population cohorts (gnomAD); In silico analysis supports that this missense variant has a deleterious effect on protein structure/function; Has not been previously published as pathogenic or benign to our knowledge

Fulgent Genetics
Classification: Uncertain significance for Autosomal recessive limb-girdle muscular dystrophy type 2B; Miyoshi muscular dystrophy 1; Distal myopathy with anterior tibial onset. Last evaluated: 2024-01-16. Review status: criteria provided, single submitter. Criteria: ACMG Guidelines, 2015. Collection method: clinical testing. Allele origin: germline.

Revvity Omics, Revvity
Classification: Uncertain significance. Last evaluated: 2020-03-04. Review status: criteria provided, single submitter. Criteria: ACMG Guidelines, 2015. Collection method: clinical testing. Allele origin: germline.

Natera, Inc.
Classification: Uncertain significance for Limb-girdle muscular dystrophy type 2B. Last evaluated: 2020-09-16. Review status: no assertion criteria provided. Collection method: clinical testing. Allele origin: germline. Not counted in ClinVar's aggregate classification.